The following is an entry in ClinVar:

ClinVar aggregate classification (germline): Uncertain significance. Review status: criteria provided, multiple submitters, no conflicts (2 of 4 stars). 2 submissions from 2 submitters: Uncertain significance (2). Last evaluated 2025-06-23.

Allele frequency attached by ClinVar (database versions not stated): ExAC 0.00002; gnomAD 0.00005; gnomAD exomes 0.00008; TOPMed 0.00008.
gnomAD v4.1: 114 of 1,613,192 alleles (0.0071%); highest among the groups gnomAD compares: Non-Finnish European, 0.0093%; no homozygotes.

Submissions (2):

Labcorp Genetics (formerly Invitae), Labcorp
Classification: Uncertain significance. Last evaluated: 2025-06-23. Review status: criteria provided, single submitter. Criteria: Invitae Variant Classification Sherloc (09022015). Collection method: clinical testing. Allele origin: germline.
Comment: This sequence change replaces histidine, which is basic and polar, with tyrosine, which is neutral and polar, at codon 636 of the ADD3 protein (p.His636Tyr). This variant is present in population databases (rs780037874, gnomAD 0.008%). This variant has not been reported in the literature in individuals affected with ADD3-related conditions. ClinVar contains an entry for this variant (Variation ID: 2415141). An algorithm developed to predict the effect of missense changes on protein structure and function (PolyPhen-2) suggests that this variant is likely to be tolerated. In summary, the available evidence is currently insufficient to determine the role of this variant in disease. Therefore, it has been classified as a Variant of Uncertain Significance.

Ambry Genetics
Classification: Uncertain significance. Last evaluated: 2024-05-23. Review status: criteria provided, single submitter. Criteria: Ambry Variant Classification Scheme 2023. Collection method: clinical testing. Allele origin: germline.

NM_016824.5(ADD3):c.1906C>T (p.His636Tyr)

Gene: ADD3 (adducin 3; plus strand). Cytogenetic location: 10q25.2.
Variant type: single nucleotide variant.
Coding change: c.1906C>T on transcript NM_016824.5 (MANE Select); coding-DNA position 1906, C replaced by T.
Protein change: p.His636Tyr; replaces histidine 636 with tyrosine.
Molecular consequence: missense variant.
Genome position (GRCh38, 1-based): chr10:110,133,403, C>T. VCF-style: chr10-110133403-C-T. GRCh37 (hg19) VCF-style: chr10-111893161-C-T.
Other names: c.1810C>T, p.His604Tyr (NM_001121.4, NM_019903.5); c.1906C>T, p.His636Tyr (NM_001320591.2, NM_001320592.2, NM_001320593.2); c.1672C>T, p.His558Tyr (NM_001320594.2); c.1906C>T (NM_016824.3); short protein forms H558Y, H604Y, H636Y.
Identifiers: ClinVar variation 2415141 (VCV002415141.7), dbSNP rs780037874, ClinGen allele CA5686775.